The following is an entry in ClinVar:

ClinVar aggregate classification (germline): Uncertain significance (1 of 4 stars; one submission).

Allele frequency attached by ClinVar (database versions not stated): gnomAD exomes below 0.00001.
gnomAD v4.1: 1 of 1,613,980 alleles (0.000062%); highest among the groups gnomAD compares: South Asian, 0.0011%; no homozygotes.

Submission:

Labcorp Genetics (formerly Invitae), Labcorp
Classification: Uncertain significance. Last evaluated: 2021-04-17. Review status: criteria provided, single submitter. Criteria: Invitae Variant Classification Sherloc (09022015). Collection method: clinical testing. Allele origin: germline.
Comment: In summary, the available evidence is currently insufficient to determine the role of this variant in disease. Therefore, it has been classified as a Variant of Uncertain Significance. Algorithms developed to predict the effect of missense changes on protein structure and function are either unavailable or do not agree on the potential impact of this missense change (SIFT: "Deleterious"; PolyPhen-2: "Probably Damaging"; Align-GVGD: "Class C0"). This variant has not been reported in the literature in individuals with CACNA1D-related conditions. This variant is not present in population databases (ExAC no frequency). This sequence change replaces serine with glycine at codon 890 of the CACNA1D protein (p.Ser890Gly). The serine residue is highly conserved and there is a small physicochemical difference between serine and glycine.

NM_001128840.3(CACNA1D):c.2608A>G (p.Ser870Gly)

Gene: CACNA1D (calcium voltage-gated channel subunit alpha1 D; plus strand). Cytogenetic location: 3p21.1.
Variant type: single nucleotide variant.
Coding change: c.2608A>G on transcript NM_001128840.3 (MANE Select); coding-DNA position 2608, A replaced by G.
Protein change: p.Ser870Gly; replaces serine 870 with glycine.
Molecular consequence: missense variant.
Genome position (GRCh38, 1-based): chr3:53,732,949, A>G. VCF-style: chr3-53732949-A-G. GRCh37 (hg19) VCF-style: chr3-53766976-A-G.
Other names: c.2668A>G, p.Ser890Gly (NM_000720.4); c.2608A>G, p.Ser870Gly (NM_001128839.3); short protein forms S870G, S890G.
Identifiers: ClinVar variation 1388489 (VCV001388489.8), dbSNP rs2108772216, ClinGen allele CA353241692.